The following is an entry in ClinVar:

NM_005876.5(SPEG):c.254C>T (p.Ala85Val)

Gene: SPEG (striated muscle enriched protein kinase; plus strand). Cytogenetic location: 2q35.
Variant type: single nucleotide variant.
Coding change: c.254C>T on transcript NM_005876.5 (MANE Select); coding-DNA position 254, C replaced by T.
Protein change: p.Ala85Val; replaces alanine 85 with valine.
Molecular consequence: missense variant.
Genome position (GRCh38, 1-based): chr2:219,435,231, C>T. VCF-style: chr2-219435231-C-T. GRCh37 (hg19) VCF-style: chr2-220299953-C-T.
Other names: c.254C>T (NM_005876.4); short protein forms A85V.
Identifiers: ClinVar variation 1519765 (VCV001519765.4), dbSNP rs1256623141, ClinGen allele CA350704168.

ClinVar aggregate classification (germline): Uncertain significance. Review status: criteria provided, multiple submitters, no conflicts (2 of 4 stars). 2 submissions from 2 submitters: Uncertain significance (2). Last evaluated 2022-08-08.

Conditions:
Inborn genetic diseases. Identifiers: MedGen C0950123, MeSH D030342.

Allele frequency attached by ClinVar (database versions not stated): gnomAD exomes 0.00001; TOPMed 0.00003; gnomAD 0.00004.
gnomAD v4.1: 16 of 1,476,096 alleles (0.0011%); highest among the groups gnomAD compares: African/African-American, 0.024%; no homozygotes.

Submissions (2):

Ambry Genetics
Classification: Uncertain significance for Inborn genetic diseases. Last evaluated: 2022-08-08. Review status: criteria provided, single submitter. Criteria: Ambry Variant Classification Scheme 2023. Collection method: clinical testing. Allele origin: germline.

Labcorp Genetics (formerly Invitae), Labcorp
Classification: Uncertain significance. Last evaluated: 2021-09-09. Review status: criteria provided, single submitter. Criteria: Invitae Variant Classification Sherloc (09022015). Collection method: clinical testing. Allele origin: germline.
Comment: This sequence change replaces alanine with valine at codon 85 of the SPEG protein (p.Ala85Val). The alanine residue is weakly conserved and there is a small physicochemical difference between alanine and valine. The frequency data for this variant in the population databases is considered unreliable, as metrics indicate insufficient coverage at this position in the ExAC database. This variant has not been reported in the literature in individuals affected with SPEG-related conditions. Algorithms developed to predict the effect of missense changes on protein structure and function output the following: SIFT: "Tolerated"; PolyPhen-2: "Benign"; Align-GVGD: "Class C0". The valine amino acid residue is found in multiple mammalian species, which suggests that this missense change does not adversely affect protein function. In summary, the available evidence is currently insufficient to determine the role of this variant in disease. Therefore, it has been classified as a Variant of Uncertain Significance.